The following is an entry in ClinVar:

ClinVar aggregate classification (germline): Uncertain significance (1 of 4 stars; one submission).

Conditions:
F11-related disorder. Also called: F11-related condition.

gnomAD v4.1: 1 of 1,614,070 alleles (0.000062%); highest among the groups gnomAD compares: Non-Finnish European, 0.000085%; no homozygotes.

Submission:

PreventionGenetics, part of Exact Sciences
Classification: Uncertain significance for F11-related condition. Last evaluated: 2026-04-03. Review status: criteria provided, single submitter. Criteria: ACMG Guidelines, 2015. Collection method: clinical testing. Allele origin: germline.
Comment: The F11 c.1722T>A variant is predicted to result in the amino acid substitution p.Asp574Glu. To our knowledge, this variant has not been reported in the literature or in a large population database (gnomAD), indicating this variant is rare. Alternate missense changes at the same amino acid position (p.Asp574Gly, p.Asp574Ala) have been reported in individuals affected with F11 deficiency but are currently classified as variants of uncertain significance (Castaman et al. 2013. PubMed ID: 24112640; reported as p.Asp556Ala, Kawankar et al. 2016. PubMed ID: 27710856). At PreventionGenetics, this variant has been reported to segregate with F11 deficiency in a family. Although we suspect that this variant may be pathogenic, at this time, the clinical significance of this variant is uncertain due to the absence of conclusive functional and genetic evidence.

NM_000128.4(F11):c.1722T>A (p.Asp574Glu)

Genes: F11 (coagulation factor XI; plus strand), F11-AS1 (F11 antisense RNA 1; minus strand). Cytogenetic location: 4q35.2.
Variant type: single nucleotide variant.
Coding change: c.1722T>A on transcript NM_000128.4 (MANE Select); coding-DNA position 1722, T replaced by A.
Protein change: p.Asp574Glu; replaces aspartic acid 574 with glutamic acid.
Molecular consequence: missense variant. On other transcripts: non-coding transcript variant (1).
Genome position (GRCh38, 1-based): chr4:186,288,458, T>A. VCF-style: chr4-186288458-T-A. GRCh37 (hg19) VCF-style: chr4-187209612-T-A.
Other names: c.1674T>A, p.Asp558Glu (NM_001440590.1); c.1626T>A, p.Asp542Glu (NM_001440593.1); c.1578T>A, p.Asp526Glu (NM_001440596.1); c.1452T>A, p.Asp484Glu (NM_001440605.1); c.1404T>A, p.Asp468Glu (NM_001440606.1); c.1356T>A, p.Asp452Glu (NM_001440607.1); c.1308T>A, p.Asp436Glu (NM_001440608.1); short protein forms D436E, D484E, D526E, D558E, D574E, D452E, D468E, D542E.
Identifiers: ClinVar variation 4996054 (VCV004996054.1).